The following is an entry in ClinVar:

ClinVar aggregate classification (germline): Likely benign (1 of 4 stars; one submission).

Conditions:
ITGA2-related disorder. Also called: ITGA2-related condition.

gnomAD v4.1: 2 of 1,612,628 alleles (0.00012%); highest among the groups gnomAD compares: African/African-American, 0.0013%; no homozygotes.

Submission:

PreventionGenetics, part of Exact Sciences
Classification: Likely benign for ITGA2-related condition. Last evaluated: 2025-09-03. Review status: criteria provided, single submitter. Criteria: ACMG Guidelines, 2015. Collection method: clinical testing. Allele origin: germline.
Comment: This variant is classified as likely benign based on ACMG/AMP sequence variant interpretation guidelines (Richards et al. 2015 PMID: 25741868, with internal and published modifications).

NM_002203.4(ITGA2):c.2784C>T (p.Leu928=)

Gene: ITGA2 (integrin subunit alpha 2; plus strand). Cytogenetic location: 5q11.2.
Variant type: single nucleotide variant.
Coding change: c.2784C>T on transcript NM_002203.4 (MANE Select); coding-DNA position 2784, C replaced by T.
Protein change: p.Leu928=; no amino-acid change (leucine 928 retained).
Molecular consequence: synonymous variant. On other transcripts: non-coding transcript variant (5).
Genome position (GRCh38, 1-based): chr5:53,075,263, C>T. VCF-style: chr5-53075263-C-T. GRCh37 (hg19) VCF-style: chr5-52371093-C-T.
Identifiers: ClinVar variation 4991299 (VCV004991299.1).
Genomic context (GRCh38, chr5:53,075,263, plus strand): 5'-TAATGTTTCTTTCTATAGTGAAAGCCAAGAAGAAAACAAGGCTGATAATTTGGTCAACCT[C>T]AAAATTCCTCTCCTGTATGATGCTGAAATTCACTTAACAAGGTAGGTGAAGCAGTGGGTA-3'
Protein context (NP_002194.2, residues 918-938): EENKADNLVN[Leu928=]KIPLLYDAEI